The following is an entry in ClinVar:

NM_004006.3(DMD):c.1149+1G>T

Gene: DMD (dystrophin; minus strand). Cytogenetic location: Xp21.1.
Variant type: single nucleotide variant.
Coding change: c.1149+1G>T on transcript NM_004006.3 (MANE Select); the canonical splice donor site of the intron after coding-DNA position 1149, G replaced by T.
Molecular consequence: splice donor variant.
Genome position (GRCh38, 1-based): chrX:32,644,963, C>A on the plus strand (G>T on the coding strand, the complement: DMD is on the minus strand). VCF-style: chrX-32644963-C-A. GRCh37 (hg19) VCF-style: chrX-32663080-C-A.
Other names: c.1125+1G>T (NM_000109.4); c.1137+1G>T (NM_004009.3); c.780+1G>T (NM_004010.3).
Identifiers: ClinVar variation 2430380 (VCV002430380.3), dbSNP rs1060502634, ClinGen allele CA412661591.

ClinVar aggregate classification (germline): Likely pathogenic (1 of 4 stars; one submission).

Conditions:
Duchenne muscular dystrophy (DMD). Also called: Duchenne Muscular Dystrophy (DMD); MUSCULAR DYSTROPHY, PSEUDOHYPERTROPHIC PROGRESSIVE, DUCHENNE TYPE. Identifiers: Orphanet 98896, MedGen C0013264, MONDO:0010679, OMIM 310200.

Submission:

Diagnostics Services (NGS), CSIR - Centre For Cellular And Molecular Biology
Classification: Likely pathogenic for Duchenne muscular dystrophy. Last evaluated: 2023-02-24. Review status: criteria provided, single submitter. Criteria: ACMG Guidelines, 2015. Collection method: clinical testing. Allele origin: germline. Affected: yes. Observed: 1 variant allele, 1 hemizygote.
Comment: The c.1149+1G>T variant is not present in publicly available population databases like 1000 Genomes, ExAC, EVS, Indian Exome Database or our in-house exome database. The variant has neither been published in literature nor reported to clinical databases like in ClinVar, Human Gene Mutation Database (HGMD) or OMIM, in any affected individuals. In silico pathogenicity prediction programs like Human Splicing Finder v3.1 (HSF3.1), MutationTaster2, CADD, Varsome, Franklin etc predicted this variant to be likely deleterious by affecting mRNA splicing.